The following is an entry in ClinVar:

NM_001002294.3(FMO3):c.458C>T (p.Pro153Leu)

Genes: FMO3 (flavin containing dimethylaniline monoxygenase 3; plus strand), LOC126805916 (BRD4-independent group 4 enhancer GRCh37_chr1:171076844-171078043; plus strand). Cytogenetic location: 1q24.3.
Variant type: single nucleotide variant.
Coding change: c.458C>T on transcript NM_001002294.3 (MANE Select); coding-DNA position 458, C replaced by T.
Protein change: p.Pro153Leu; replaces proline 153 with leucine.
Molecular consequence: missense variant.
Genome position (GRCh38, 1-based): chr1:171,107,811, C>T. VCF-style: chr1-171107811-C-T. GRCh37 (hg19) VCF-style: chr1-171076952-C-T.
Other names: c.398C>T, p.Pro133Leu (NM_001319173.2); c.269C>T, p.Pro90Leu (NM_001319174.2); c.458C>T, p.Pro153Leu (NM_006894.6); short protein forms P153L, P90L, P133L.
Identifiers: ClinVar variation 16308 (VCV000016308.20), dbSNP rs72549326, ClinGen allele CA341395.

ClinVar aggregate classification (germline): Pathogenic/Likely pathogenic. Review status: criteria provided, multiple submitters, no conflicts (2 of 4 stars). 12 submissions from 12 submitters: Pathogenic (9); Likely pathogenic (1). 2 of the submissions do not count toward it. Last evaluated 2026-04-20.

Conditions:
FMO3-related disorder. Also called: FMO3-related condition.
FMO3-related disorders.
Trimethylaminuria (TMAU). Also called: Primary Trimethylaminuria; Fish malodor syndrome; Stale fish syndrome; TMAuria; FISH-ODOR SYNDROME. Identifiers: MedGen C0342739, MONDO:0011182, OMIM 602079, HP:0003614. Disease mechanism: loss of function.

Allele frequency attached by ClinVar (database versions not stated): TOPMed 0.00168; gnomAD exomes 0.00251 and 0.00102; ExAC 0.00099; gnomAD 0.00111 and 0.00149.
gnomAD v4.1: 3,823 of 1,613,792 alleles (0.24%); highest among the groups gnomAD compares: Non-Finnish European, 0.31%; 4 homozygotes.

Submissions (12):

PreventionGenetics, part of Exact Sciences
Classification: Pathogenic for FMO3-related condition. Last evaluated: 2026-04-20. Review status: criteria provided, single submitter. Criteria: ACMG Guidelines, 2015. Collection method: clinical testing. Allele origin: germline.
Comment: The FMO3 c.458C>T variant is predicted to result in the amino acid substitution p.Pro153Leu. This variant is recognized as one of the most common pathogenic variants associated with trimethylaminuria (Dolphin et al. 1997. PubMed ID: 9398858; Chalmers et al. 2006. PubMed ID: 16601883; Doyle. 2019. PubMed ID: 31240165). We interpret this variant as pathogenic.

Labcorp Genetics (formerly Invitae), Labcorp
Classification: Pathogenic. Last evaluated: 2026-01-27. Review status: criteria provided, single submitter. Criteria: Invitae Variant Classification Sherloc (09022015). Collection method: clinical testing. Allele origin: germline.
Comment: This sequence change replaces proline, which is neutral and non-polar, with leucine, which is neutral and non-polar, at codon 153 of the FMO3 protein (p.Pro153Leu). This variant is present in population databases (rs72549326, gnomAD 0.2%), and has an allele count higher than expected for a pathogenic variant. This missense change has been observed in individual(s) with trimethylaminuria (PMID: 8401051, 9398858, 11191884, 12893987, 16601883, 17224546, 21422137, 31240165, 33473342). It has also been observed to segregate with disease in related individuals. ClinVar contains an entry for this variant (Variation ID: 16308). Invitae Evidence Modeling of protein sequence and biophysical properties (such as structural, functional, and spatial information, amino acid conservation, physicochemical variation, residue mobility, and thermodynamic stability) indicates that this missense variant is expected to disrupt FMO3 protein function with a positive predictive value of 95%. Experimental studies have shown that this missense change affects FMO3 function (PMID: 9282831, 9398858, 9536088, 17531949). For these reasons, this variant has been classified as Pathogenic.

Otogenetics
Classification: Pathogenic for Trimethylaminuria. Last evaluated: 2025-10-21. Review status: criteria provided, single submitter. Criteria: ACMG Guidelines, 2015. Collection method: clinical testing. Allele origin: germline.
Comment: PS3: Well-established in vitro and in vivo functional studies supportive of damaging effect on the gene product, with low residual enzymatic activity relative to wild-type reported (PMID: 9398858, 9536088, 17531949); PM2: Maximum gnomAD MAF of 0.203% in European-Non Finnish (NFE) subpopulation (<0.25% threshold); PM3_VeryStrong: Variant reported in homozygous state 6 affected individuals and in trans with 6 other pathogenic variants in 9 individuals affected with trimethylaminuria (PMID: 9536088, 12893987, 16601883, 31240165, 31533761); PP3: In-silico models predict deleterious effect (Revel = 0.76, BayesDel = 0.25)

Blueprint Genetics
Classification: Pathogenic for FMO3-related disorders. Last evaluated: 2024-10-31. Review status: criteria provided, single submitter. Criteria: ACMG Guidelines, 2015. Collection method: clinical testing. Allele origin: germline. Affected: yes. Observed: 5 variant alleles.

Fulgent Genetics
Classification: Pathogenic for Trimethylaminuria. Last evaluated: 2024-05-28. Review status: criteria provided, single submitter. Criteria: ACMG Guidelines, 2015. Collection method: clinical testing. Allele origin: germline.

Women's Health and Genetics/Laboratory Corporation of America, LabCorp
Classification: Pathogenic for Trimethylaminuria. Last evaluated: 2023-12-08. Review status: criteria provided, single submitter. Criteria: LabCorp Variant Classification Summary - May 2015. Collection method: clinical testing. Allele origin: germline.
Comment: Variant summary: FMO3 c.458C>T (p.Pro153Leu) results in a non-conservative amino acid change in the encoded protein sequence. Five of five in-silico tools predict a damaging effect of the variant on protein function. The variant allele was found at a frequency of 0.001 in 251080 control chromosomes (gnomAD). This frequency is not significantly higher than estimated for a pathogenic variant in FMO3 causing Trimethylaminuria (0.001 vs 0.0056), allowing no conclusion about variant significance. c.458C>T has been reported in the literature in multiple homozygous and compound heterozygous individuals affected with Trimethylaminuria (e.g., Dolphin_1997, Treacy_1998), and the variant has been shown to segregate with disease in related individuals (e.g., Dolphin_1997). These data indicate that the variant is very likely to be associated with disease. Several publications report experimental evidence evaluating an impact on protein function, finding that the variant results in undetectable or severely reduced (<10%) enzymatic activity relative to the wild type (e.g., Dolphin_1997, Treacy_1998, Yeung_2007). The following publications have been ascertained in the context of this evaluation (PMID: 9398858, 9536088, 17531949). Four submitters have reported clinical-significance assessments for this variant to ClinVar after 2014 with conflicting interpretations (pathogenic, n = 3; VUS, n = 1). Based on the evidence outlined above, the variant was classified as pathogenic.

Department of Pathology and Laboratory Medicine, Sinai Health System
Classification: Likely pathogenic for Trimethylaminuria. Last evaluated: 2023-07-18. Review status: criteria provided, single submitter. Criteria: ACMG Guidelines, 2015. Collection method: research. Allele origin: germline.

Mayo Clinic Laboratories, Mayo Clinic
Classification: Pathogenic. Last evaluated: 2023-01-20. Review status: criteria provided, single submitter. Criteria: ACMG Guidelines, 2015. Collection method: clinical testing. Allele origin: germline. Observed: 1 variant allele.
Comment: PP3, PP4, PM3, PS3, PS4_moderate

AiLife Diagnostics
Classification: Pathogenic. Last evaluated: 2022-03-17. Review status: criteria provided, single submitter. Criteria: ACMG Guidelines, 2015. Collection method: clinical testing. Allele origin: germline. Affected: yes. Observed: 1 variant allele.

Illumina Laboratory Services, Illumina
Classification: Pathogenic for Trimethylaminuria. Last evaluated: 2017-09-06. Review status: criteria provided, single submitter. Criteria: ICSL Variant Classification Criteria 09 May 2019. Collection method: clinical testing. Allele origin: germline.
Comment: The FMO3 c.458C>T (p.Pro153Leu) missense variant is reported widely reported in the literature and is noted to be one of the most common variants in the FMO3 gene associated with disease (Philips et al. 2015). Across a selection of the available literature, the p.Pro153Leu variant was identified in a total of 14 individuals with trimethylaminuria, including eight homozygotes and six compound heterozygotes. Four unaffected family members were identified as heterozygotes for the p.Pro153Leu variant (Dolphin et al. 1997; Treacy et al. 1998; Dolphin et al. 2000; Chalmers et al. 2006). The variant was found in one of 108 control chromosomes, and is reported at a frequency of 0.00337 in the European American population of the Exome Sequencing Project. Functional analysis by several groups demonstrated that the p.Pro153Leu variant abolishes the catalytic activity of FMO3 (Dolphin et al. 1997; Cashman et al. 1997; Treacy et al. 1998). Based on the collective evidence, the p.Pro153Leu variant is classified as pathogenic for trimethylaminuria. This variant was observed by ICSL as part of a predisposition screen in an ostensibly healthy population.

OMIM
Classification: Pathogenic for TRIMETHYLAMINURIA. Last evaluated: 1997-12-01. Review status: no assertion criteria provided. Collection method: literature only. Allele origin: germline. Not counted in ClinVar's aggregate classification.

GeneReviews
No classification provided. Condition: Trimethylaminuria. Review status: no classification provided. Collection method: literature only. Allele origin: unknown. Not counted in ClinVar's aggregate classification.

Literature cited by the submitters: PubMed 8401051 (cited by Labcorp Genetics (formerly Invitae), Labcorp); PubMed 9398858 (cited by 8 submitters); PubMed 11191884 (cited by 3 submitters); PubMed 12893987 (cited by Labcorp Genetics (formerly Invitae), Labcorp and Otogenetics); PubMed 16601883 (cited by 5 submitters); PubMed 17224546 (cited by 3 submitters); PubMed 21422137 (cited by 3 submitters); PubMed 31240165 (cited by 4 submitters); PubMed 33473342 (cited by Labcorp Genetics (formerly Invitae), Labcorp and Mayo Clinic Laboratories, Mayo Clinic); PubMed 9282831 (cited by 3 submitters); PubMed 9536088 (cited by 7 submitters); PubMed 17531949 (cited by 5 submitters); PubMed 31533761 (cited by Otogenetics); PubMed 31589614 (cited by AiLife Diagnostics); PubMed 31980526 (cited by AiLife Diagnostics); PubMed 25870212 (cited by AiLife Diagnostics); PubMed 29555771 (cited by AiLife Diagnostics); PubMed 20301282 (cited by Illumina Laboratory Services, Illumina and GeneReviews); NCBI Bookshelf NBK1103 (cited by GeneReviews).